The following is an entry in ClinVar:

ClinVar aggregate classification (germline): Uncertain significance (1 of 4 stars; one submission).

Conditions:
DICER1-related tumor predisposition. Also called: DICER1 syndrome; DICER1-related pleuropulmonary blastoma cancer predisposition syndrome. Identifiers: Orphanet 284343, MedGen C3839822, MONDO:0100216.

Submission:

Labcorp Genetics (formerly Invitae), Labcorp
Classification: Uncertain significance for DICER1-related tumor predisposition. Last evaluated: 2025-01-23. Review status: criteria provided, single submitter. Criteria: Invitae Variant Classification Sherloc (09022015). Collection method: clinical testing. Allele origin: germline.
Comment: This sequence change replaces glutamine, which is neutral and polar, with lysine, which is basic and polar, at codon 34 of the DICER1 protein (p.Gln34Lys). This variant is not present in population databases (gnomAD no frequency). This variant has not been reported in the literature in individuals affected with DICER1-related conditions. Invitae Evidence Modeling of protein sequence and biophysical properties (such as structural, functional, and spatial information, amino acid conservation, physicochemical variation, residue mobility, and thermodynamic stability) indicates that this missense variant is not expected to disrupt DICER1 protein function with a negative predictive value of 95%. In summary, the available evidence is currently insufficient to determine the role of this variant in disease. Therefore, it has been classified as a Variant of Uncertain Significance.

NM_177438.3(DICER1):c.100C>A (p.Gln34Lys)

Gene: DICER1 (dicer 1, ribonuclease III; minus strand). Cytogenetic location: 14q32.13.
Variant type: single nucleotide variant.
Coding change: c.100C>A on transcript NM_177438.3 (MANE Select); coding-DNA position 100, C replaced by A.
Protein change: p.Gln34Lys; replaces glutamine 34 with lysine.
Molecular consequence: missense variant. On other transcripts: 5 prime UTR variant (8), non-coding transcript variant (6), intron variant (1).
Genome position (GRCh38, 1-based): chr14:95,133,359, G>T on the plus strand (C>A on the coding strand, the complement: DICER1 is on the minus strand). VCF-style: chr14-95133359-G-T. GRCh37 (hg19) VCF-style: chr14-95599696-G-T.
Other names: c.100C>A, p.Gln34Lys (NM_001195573.1, NM_001271282.3, NM_001291628.2 and 14 more transcripts); c.-175C>A (NM_001395686.1, NM_001395688.1, NM_001395689.1 and 3 more transcripts); c.-359C>A (NM_001395691.1); c.-1469C>A (NM_001395697.1); c.-130-682C>A (NM_001395687.1); short protein forms Q34K.
Identifiers: ClinVar variation 3720200 (VCV003720200.2).